The following is an entry in ClinVar:

NM_000301.5(PLG):c.1281G>A (p.Arg427=)

Gene: PLG (plasminogen; plus strand). Cytogenetic location: 6q26.
Variant type: single nucleotide variant.
Coding change: c.1281G>A on transcript NM_000301.5 (MANE Select); coding-DNA position 1281, G replaced by A.
Protein change: p.Arg427=; no amino-acid change (arginine 427 retained).
Molecular consequence: synonymous variant.
Genome position (GRCh38, 1-based): chr6:160,731,075, G>A. VCF-style: chr6-160731075-G-A. GRCh37 (hg19) VCF-style: chr6-161152107-G-A.
Other names: p.Arg427=.
Identifiers: ClinVar variation 788861 (VCV000788861.38), dbSNP rs149909079, ClinGen allele CA4087738.
Genomic context (GRCh38, chr6:160,731,075, plus strand): 5'-CACCTCTTGTGACCTGTATTGTTTTGGAATTTCCAGTGGCCTGACAATGAACTACTGCAG[G>A]AATCCAGATGCCGATAAAGGCCCCTGGTGTTTTACCACAGACCCCAGCGTCAGGTGGGAG-3'
Protein context (NP_000292.1, residues 417-437): PNAGLTMNYC[Arg427=]NPDADKGPWC

ClinVar aggregate classification (germline): Benign/Likely benign. Review status: criteria provided, multiple submitters, no conflicts (2 of 4 stars). 7 submissions from 7 submitters: Benign (2); Likely benign (3). 2 of the submissions do not count toward it. Last evaluated 2026-08-01.

Conditions:
Plasminogen deficiency, type I. Also called: Hypoplasminogenemia; Type 1 plasminogen deficiency. Identifiers: Orphanet 722, MedGen C1968804, MONDO:0009009, OMIM 217090.
Angioedema, hereditary, 4. Identifiers: MedGen C5543503, MONDO:0025712, OMIM 619360.

Allele frequency attached by ClinVar (database versions not stated): 1000 Genomes Project 0.00140; 1000 Genomes Project 30x 0.00172; ExAC 0.00348; TOPMed 0.00354; gnomAD 0.00364 and 0.00373; ESP Exome Variant Server 0.00377; gnomAD exomes 0.00378.
gnomAD v4.1: 6,768 of 1,613,986 alleles (0.42%); highest among the groups gnomAD compares: Non-Finnish European, 0.46%; 17 homozygotes.

Submissions (7):

CeGaT Center for Human Genetics Tuebingen
Classification: Likely benign. Last evaluated: 2026-08-01. Review status: criteria provided, single submitter. Criteria: CeGaT Center For Human Genetics Tuebingen Variant Classification Criteria Version 2. Collection method: clinical testing. Allele origin: germline. Affected: yes. Observed: 6 variant alleles.
Comment: PLG: BP4, BP7

Labcorp Genetics (formerly Invitae), Labcorp
Classification: Benign. Last evaluated: 2026-01-27. Review status: criteria provided, single submitter. Criteria: Invitae Variant Classification Sherloc (09022015). Collection method: clinical testing. Allele origin: germline.

Blueprint Genetics
Classification: Likely benign. Last evaluated: 2024-11-25. Review status: criteria provided, single submitter. Criteria: ACMG Guidelines, 2015. Collection method: clinical testing. Allele origin: germline.

Mayo Clinic Laboratories, Mayo Clinic
Classification: Benign. Last evaluated: 2023-07-28. Review status: criteria provided, single submitter. Criteria: ACMG Guidelines, 2015. Collection method: clinical testing. Allele origin: germline. Observed: 13 variant alleles.
Comment: BS1, BP4, BP7

Fulgent Genetics
Classification: Likely benign for Plasminogen deficiency, type I; Angioedema, hereditary, 4. Last evaluated: 2021-07-19. Review status: criteria provided, single submitter. Criteria: ACMG Guidelines, 2015. Collection method: clinical testing. Allele origin: unknown.

Clinical Genetics DNA and cytogenetics Diagnostics Lab, Erasmus MC, Erasmus Medical Center
Classification: Likely benign. Review status: no assertion criteria provided. Collection method: clinical testing. Allele origin: germline. Affected: yes. Study: VKGL Data-share Consensus. Not counted in ClinVar's aggregate classification.

Genome Diagnostics Laboratory, University Medical Center Utrecht
Classification: Likely benign. Review status: no assertion criteria provided. Collection method: clinical testing. Allele origin: germline. Affected: yes. Study: VKGL Data-share Consensus. Not counted in ClinVar's aggregate classification.